The following is an entry in ClinVar:

ClinVar aggregate classification (germline): Conflicting classifications of pathogenicity. Review status: criteria provided, conflicting classifications (1 of 4 stars). 4 submissions from 4 submitters: Uncertain significance (2); Likely benign (2). Last evaluated 2026-09-08.

Conditions:
Fabry disease. Also called: ALPHA-GALACTOSIDASE A DEFICIENCY; ANDERSON-FABRY DISEASE; CERAMIDE TRIHEXOSIDASE DEFICIENCY; GLA DEFICIENCY; HEREDITARY DYSTOPIC LIPIDOSIS; Fabry's disease. Identifiers: Orphanet 324, MedGen C0002986, MONDO:0010526, OMIM 301500, HP:0001071. Disease mechanism: loss of function, Fabry disease is due to inactivating mutations in the X-linked GLA gene resulting in deficiency of the enzyme Alpha Galactosidase-A..

Allele frequency attached by ClinVar (database versions not stated): ExAC 0.00001; gnomAD exomes 0.00001.

Submissions (4):

Genomenon, Inc
Classification: Uncertain significance for Fabry disease. Last evaluated: 2026-09-08. Review status: criteria provided, single submitter. Criteria: Genomenon Sequence Variant Interpretation Standards - Updated. Collection method: curation. Allele origin: germline. Affected: no.
Comment: GLA p.Ile354Val (c.1060A>G) is a missense variant that changes the amino acid at codon 354 from Isoleucine to Valine. This variant has been reported in the published literature (PMID:38002985). It is absent or not present at a significant frequency in gnomAD. In silico models predict that this variant is not damaging. In conclusion, we classify GLA p.Ile354Val (c.1060A>G) as a variant of uncertain significance.

Labcorp Genetics (formerly Invitae), Labcorp
Classification: Uncertain significance for Fabry disease. Last evaluated: 2024-09-21. Review status: criteria provided, single submitter. Criteria: Invitae Variant Classification Sherloc (09022015). Collection method: clinical testing. Allele origin: germline.
Comment: This sequence change replaces isoleucine, which is neutral and non-polar, with valine, which is neutral and non-polar, at codon 354 of the GLA protein (p.Ile354Val). This variant is present in population databases (rs782200316, gnomAD 0.01%). This variant has not been reported in the literature in individuals affected with GLA-related conditions. ClinVar contains an entry for this variant (Variation ID: 1172376). Invitae Evidence Modeling of protein sequence and biophysical properties (such as structural, functional, and spatial information, amino acid conservation, physicochemical variation, residue mobility, and thermodynamic stability) indicates that this missense variant is not expected to disrupt GLA protein function with a negative predictive value of 80%. This variant disrupts the p.Ile354 amino acid residue in GLA. Other variant(s) that disrupt this residue have been determined to be pathogenic (PMID: 18057066, 28717668, 30477121). This suggests that this residue is clinically significant, and that variants that disrupt this residue are likely to be disease-causing. In summary, the available evidence is currently insufficient to determine the role of this variant in disease. Therefore, it has been classified as a Variant of Uncertain Significance.

Color Diagnostics, LLC DBA Color Health
Classification: Likely benign for Fabry disease. Last evaluated: 2024-09-12. Review status: criteria provided, single submitter. Criteria: ACMG Guidelines, 2015. Collection method: clinical testing. Allele origin: germline.

All of Us Research Program, National Institutes of Health
Classification: Likely benign for Fabry disease. Last evaluated: 2024-08-23. Review status: criteria provided, single submitter. Criteria: ACMG Guidelines, 2015. Collection method: clinical testing. Allele origin: germline. Inheritance: X-linked inheritance. Observed: 1 variant allele, 1 heterozygote.
Comment: This study involves interpretation of variants in research participants for the purpose of population health screening. Participant phenotype was not available at the time of variant classification. Additional details can be found in publication PMID: 35346344, PMCID: PMC8962531

Literature cited by the submitters: PubMed 38002985 (cited by Genomenon, Inc); PubMed 18057066 (cited by Labcorp Genetics (formerly Invitae), Labcorp); PubMed 28717668 (cited by Labcorp Genetics (formerly Invitae), Labcorp); PubMed 30477121 (cited by Labcorp Genetics (formerly Invitae), Labcorp).

NM_000169.3(GLA):c.1060A>G (p.Ile354Val)

Genes: RPL36A-HNRNPH2 (RPL36A-HNRNPH2 readthrough; plus strand), GLA (galactosidase alpha; minus strand). Cytogenetic location: Xq22.1.
Variant type: single nucleotide variant.
Coding change: c.1060A>G on transcript NM_000169.3 (MANE Select); coding-DNA position 1060, A replaced by G.
Protein change: p.Ile354Val; replaces isoleucine 354 with valine.
Molecular consequence: missense variant. On other transcripts: non-coding transcript variant (3), intron variant (2).
Genome position (GRCh38, 1-based): chrX:101,398,039, T>C on the plus strand (A>G on the coding strand, the complement: GLA is on the minus strand). VCF-style: chrX-101398039-T-C. GRCh37 (hg19) VCF-style: chrX-100653027-T-C.
Other names: c.1183A>G, p.Ile395Val (NM_001406747.1); c.300+2582T>C (NM_001199973.2); c.177+6217T>C (NM_001199974.2); short protein forms I354V, I395V.
Identifiers: ClinVar variation 1172376 (VCV001172376.8), dbSNP rs782200316, ClinGen allele CA029460.